The following is an entry in ClinVar:

NM_004364.5(CEBPA):c.861G>A (p.Val287=)

Gene: CEBPA (CCAAT enhancer binding protein alpha; minus strand). Cytogenetic location: 19q13.11.
Variant type: single nucleotide variant.
Coding change: c.861G>A on transcript NM_004364.5 (MANE Select); coding-DNA position 861, G replaced by A.
Protein change: p.Val287=; no amino-acid change (valine 287 retained).
Molecular consequence: synonymous variant.
Genome position (GRCh38, 1-based): chr19:33,301,554, C>T on the plus strand (G>A on the coding strand, the complement: CEBPA is on the minus strand). VCF-style: chr19-33301554-C-T. GRCh37 (hg19) VCF-style: chr19-33792460-C-T.
Other names: c.861G>A (NM_004364.3, NM_004364.4); c.504G>A, p.Val168= (NM_001285829.2); c.966G>A, p.Val322= (NM_001287424.2); c.819G>A, p.Val273= (NM_001287435.2).
Identifiers: ClinVar variation 1106947 (VCV001106947.11), dbSNP rs981299051, ClinGen allele CA307844174.
Genomic context (GRCh38, chr19:33,301,554, plus strand): 5'-GTTGCGCTGCTTGGCCTTGTCGCGGCTCTTGCGCACCGCGATGTTGTTGCGCTCGCGCCG[C>T]ACCCGGTACTCGTTGCTGTTCTTGTCCACCGACTTCTTGGCCTTGCCCGCGCCGCTGCCG-3'
Protein context (NP_004355.2, residues 277-297): SVDKNSNEYR[Val287=]RRERNNIAVR

ClinVar aggregate classification (germline): Likely benign. Review status: criteria provided, multiple submitters, no conflicts (2 of 4 stars). 3 submissions from 3 submitters: Likely benign (2). 1 of the submissions does not count toward it. Last evaluated 2024-11-21.

Conditions:
Inborn genetic diseases. Identifiers: MedGen C0950123, MeSH D030342.
Acute myeloid leukemia (AML). Also called: Leukemia, acute myeloid, somatic; Leukemia, acute myelogenous, somatic; Acute myeloid leukemia, adult; AML adult; Acute non-lymphocytic leukemia; Acute granulocytic leukemia. Identifiers: Orphanet 519, MedGen C0023467, MeSH D015470, MONDO:0018874, OMIM 601626, HP:0004808. Disease mechanism: Constitutively activated FLT3.
CEBPA-related disorder. Also called: CEBPA-related condition.

Allele frequency attached by ClinVar (database versions not stated): gnomAD exomes below 0.00001 and 0.00001; gnomAD 0.00001; TOPMed 0.00002.
gnomAD v4.1: 7 of 1,613,008 alleles (0.00043%); highest among the groups gnomAD compares: African/African-American, 0.004%; no homozygotes.

Submissions (3):

Ambry Genetics
Classification: Likely benign for Inborn genetic diseases. Last evaluated: 2024-11-21. Review status: criteria provided, single submitter. Criteria: Ambry Variant Classification Scheme 2023. Collection method: clinical testing. Allele origin: germline.

Labcorp Genetics (formerly Invitae), Labcorp
Classification: Likely benign for Acute myeloid leukemia. Last evaluated: 2024-03-26. Review status: criteria provided, single submitter. Criteria: Invitae Variant Classification Sherloc (09022015). Collection method: clinical testing. Allele origin: germline.

PreventionGenetics, part of Exact Sciences
Classification: Likely benign for CEBPA-related condition. Last evaluated: 2023-07-11. Review status: no assertion criteria provided. Collection method: clinical testing. Allele origin: germline. Not counted in ClinVar's aggregate classification.
Comment: This variant is classified as likely benign based on ACMG/AMP sequence variant interpretation guidelines (Richards et al. 2015 PMID: 25741868, with internal and published modifications).